The following is an entry in ClinVar:

ClinVar aggregate classification (germline): Likely pathogenic (1 of 4 stars; one submission).

Conditions:
ABCC2-related disorder. Also called: ABCC2-related condition.

Submission:

PreventionGenetics, part of Exact Sciences
Classification: Likely pathogenic for ABCC2-related condition. Last evaluated: 2026-06-30. Review status: criteria provided, single submitter. Criteria: ACMG Guidelines, 2015. Collection method: clinical testing. Allele origin: germline.
Comment: The ABCC2 c.3402T>A variant is predicted to result in premature protein termination (p.Tyr1134*). To our knowledge, this variant has not been reported in the literature or in a large population database (gnomAD), indicating this variant is rare. Nonsense variants in ABCC2 are expected to be pathogenic. This variant is interpreted as likely pathogenic.

NM_000392.5(ABCC2):c.3402T>A (p.Tyr1134Ter)

Genes: ABCC2 (ATP binding cassette subfamily C member 2; plus strand), LOC126861013 (CDK7 strongly-dependent group 2 enhancer GRCh37_chr10:101593724-101594923; plus strand). Cytogenetic location: 10q24.2.
Variant type: single nucleotide variant.
Coding change: c.3402T>A on transcript NM_000392.5 (MANE Select); coding-DNA position 3402, T replaced by A.
Protein change: p.Tyr1134Ter; replaces tyrosine 1134 with a stop codon.
Molecular consequence: nonsense.
Genome position (GRCh38, 1-based): chr10:99,834,523, T>A. VCF-style: chr10-99834523-T-A. GRCh37 (hg19) VCF-style: chr10-101594280-T-A.
Other names: short protein forms Y1134*.
Identifiers: ClinVar variation 4996685 (VCV004996685.1).